The following is an entry in ClinVar:

NM_013266.4(CTNNA3):c.979C>T (p.Arg327Trp)

Gene: CTNNA3 (catenin alpha 3; minus strand). Cytogenetic location: 10q21.3.
Variant type: single nucleotide variant.
Coding change: c.979C>T on transcript NM_013266.4 (MANE Select); coding-DNA position 979, C replaced by T.
Protein change: p.Arg327Trp; replaces arginine 327 with tryptophan.
Molecular consequence: missense variant.
Genome position (GRCh38, 1-based): chr10:67,180,385, G>A on the plus strand (C>T on the coding strand, the complement: CTNNA3 is on the minus strand). VCF-style: chr10-67180385-G-A. GRCh37 (hg19) VCF-style: chr10-68940143-G-A.
Other names: c.979C>T, p.Arg327Trp (NM_001127384.3); c.1015C>T, p.Arg339Trp (NM_001291133.2); c.979C>T (NM_013266.2); short protein forms R327W, R339W.
Identifiers: ClinVar variation 2072377 (VCV002072377.5), dbSNP rs770268115, ClinGen allele CA5520438.

ClinVar aggregate classification (germline): Uncertain significance. Review status: criteria provided, multiple submitters, no conflicts (2 of 4 stars). 2 submissions from 2 submitters: Uncertain significance (2). Last evaluated 2025-06-28.

Conditions:
Arrhythmogenic right ventricular dysplasia 13. Also called: ARRHYTHMOGENIC RIGHT VENTRICULAR CARDIOMYOPATHY 13; Arrhythmogenic right ventricular dysplasia, familial, 13. Identifiers: MedGen C3810138, MONDO:0000908, OMIM 615616.

Allele frequency attached by ClinVar (database versions not stated): gnomAD 0.00001; ExAC 0.00002.
gnomAD v4.1: 13 of 1,613,626 alleles (0.00081%); highest among the groups gnomAD compares: Middle Eastern, 0.016%; no homozygotes.

Submissions (2):

Ambry Genetics
Classification: Uncertain significance. Last evaluated: 2025-06-28. Review status: criteria provided, single submitter. Criteria: Ambry Variant Classification Scheme 2023. Collection method: clinical testing. Allele origin: germline.
Comment: The p.R327W variant (also known as c.979C>T), located in coding exon 6 of the CTNNA3 gene, results from a C to T substitution at nucleotide position 979. The arginine at codon 327 is replaced by tryptophan, an amino acid with dissimilar properties. This amino acid position is conserved. In addition, the in silico prediction for this alteration is inconclusive. Based on the available evidence, the clinical significance of this variant remains unclear.

Labcorp Genetics (formerly Invitae), Labcorp
Classification: Uncertain significance for Arrhythmogenic right ventricular dysplasia 13. Last evaluated: 2025-02-06. Review status: criteria provided, single submitter. Criteria: Invitae Variant Classification Sherloc (09022015). Collection method: clinical testing. Allele origin: germline.
Comment: This sequence change replaces arginine, which is basic and polar, with tryptophan, which is neutral and slightly polar, at codon 327 of the CTNNA3 protein (p.Arg327Trp). This variant is present in population databases (rs770268115, gnomAD 0.003%). This variant has not been reported in the literature in individuals affected with CTNNA3-related conditions. ClinVar contains an entry for this variant (Variation ID: 2072377). Invitae Evidence Modeling of protein sequence and biophysical properties (such as structural, functional, and spatial information, amino acid conservation, physicochemical variation, residue mobility, and thermodynamic stability) has been performed for this missense variant. However, the output from this modeling did not meet the statistical confidence thresholds required to predict the impact of this variant on CTNNA3 protein function. In summary, the available evidence is currently insufficient to determine the role of this variant in disease. Therefore, it has been classified as a Variant of Uncertain Significance.